The following is an entry in ClinVar:

ClinVar aggregate classification (germline): Conflicting classifications of pathogenicity. Review status: criteria provided, conflicting classifications (1 of 4 stars). 6 submissions from 6 submitters: Uncertain significance (2); Likely benign (3). 1 of the submissions does not count toward it. Last evaluated 2026-10-21.

Conditions:
USH2A-related disorder. Also called: USH2A-related condition; USH2A-related disorders. Identifiers: MedGen CN239332.
Usher syndrome type 2A. Also called: USHER SYNDROME, TYPE IIA; RETINAL DISEASE IN USHER SYNDROME TYPE IIA, MODIFIER OF. Identifiers: Orphanet 231178, Orphanet 886, MedGen C1848634, MONDO:0010169, OMIM 276901.
Retinitis pigmentosa 39 (RP39). Identifiers: Orphanet 791, MedGen C3151138, MONDO:0013436, OMIM 613809.

Allele frequency attached by ClinVar (database versions not stated): gnomAD 0.00028 and 0.00027; ExAC 0.00035; gnomAD exomes 0.00026 and 0.00033; ESP Exome Variant Server 0.00054; TOPMed 0.00021.
gnomAD v4.1: 527 of 1,613,952 alleles (0.033%); highest among the groups gnomAD compares: Non-Finnish European, 0.042%; no homozygotes.

Submissions (6):

GeneDx
Classification: Uncertain significance. Last evaluated: 2026-10-21. Review status: criteria provided, single submitter. Criteria: GeneDx Variant Classification Process June 2021. Collection method: clinical testing. Allele origin: germline.
Comment: In silico analysis suggests that this missense variant does not alter protein structure/function; This variant is associated with the following publications: (PMID: 27460420)

PreventionGenetics, part of Exact Sciences
Classification: Uncertain significance for USH2A-related condition. Last evaluated: 2026-08-01. Review status: criteria provided, single submitter. Criteria: ACMG Guidelines, 2015. Collection method: clinical testing. Allele origin: germline.
Comment: The USH2A c.9307A>G variant is predicted to result in the amino acid substitution p.Ile3103Val. This variant has been reported along with an USH2A frameshift variant in an individual with Usher syndrome (Table S2, Bonnet et al. 2016. PubMed ID: 27460420). This variant is reported in 0.050% of alleles in individuals of European (Non-Finnish) descent in gnomAD, which may be too common to be a cause of disease. Although we suspect that this variant may be benign, at this time, the clinical significance of this variant is uncertain due to the absence of conclusive functional and genetic evidence.

Labcorp Genetics (formerly Invitae), Labcorp
Classification: Likely benign. Last evaluated: 2026-01-13. Review status: criteria provided, single submitter. Criteria: Invitae Variant Classification Sherloc (09022015). Collection method: clinical testing. Allele origin: germline.

Blueprint Genetics
Classification: Likely benign. Last evaluated: 2024-11-15. Review status: criteria provided, single submitter. Criteria: ACMG Guidelines, 2015. Collection method: clinical testing. Allele origin: germline.

Laboratory for Molecular Medicine, Mass General Brigham Personalized Medicine
Classification: Likely benign. Last evaluated: 2013-09-12. Review status: criteria provided, single submitter. Criteria: LMM Criteria. Collection method: clinical testing. Allele origin: germline. Observed: 1 variant allele.
Comment: Ile3103Val in Exon 47 of USH2A: This variant is not expected to have clinical s ignificance because the isoleucine (Ile) residue at position 3103 is not conserv ed through species with mouse lemur, bushbaby, mouse and rat having a valine (Va l). In addition, it has been identified in 0.7% (6/8600) of European American c hromosomes by the NHLBI Exome Sequencing Project (VS/; dbSNP rs143352618).

Counsyl
Classification: Uncertain significance for Usher syndrome type 2A; Retinitis pigmentosa 39. Last evaluated: 2018-03-06. Review status: no assertion criteria provided. Collection method: clinical testing. Allele origin: unknown. Not counted in ClinVar's aggregate classification.

NM_206933.4(USH2A):c.9307A>G (p.Ile3103Val)

Gene: USH2A (usherin; minus strand). Cytogenetic location: 1q41.
Variant type: single nucleotide variant.
Coding change: c.9307A>G on transcript NM_206933.4 (MANE Select); coding-DNA position 9307, A replaced by G.
Protein change: p.Ile3103Val; replaces isoleucine 3103 with valine.
Molecular consequence: missense variant.
Genome position (GRCh38, 1-based): chr1:215,838,055, T>C on the plus strand (A>G on the coding strand, the complement: USH2A is on the minus strand). VCF-style: chr1-215838055-T-C. GRCh37 (hg19) VCF-style: chr1-216011397-T-C.
Other names: short protein forms I3103V.
Identifiers: ClinVar variation 166464 (VCV000166464.18), dbSNP rs143352618, ClinGen allele CA179526.